The following is an entry in ClinVar:

NM_002088.5(GRIK5):c.903G>A (p.Ala301=)

Gene: GRIK5 (glutamate ionotropic receptor kainate type subunit 5; minus strand). Cytogenetic location: 19q13.2.
Variant type: single nucleotide variant.
Coding change: c.903G>A on transcript NM_002088.5 (MANE Select); coding-DNA position 903, G replaced by A.
Protein change: p.Ala301=; no amino-acid change (alanine 301 retained).
Molecular consequence: synonymous variant.
Genome position (GRCh38, 1-based): chr19:42,056,662, C>T on the plus strand (G>A on the coding strand, the complement: GRIK5 is on the minus strand). VCF-style: chr19-42056662-C-T. GRCh37 (hg19) VCF-style: chr19-42560814-C-T.
Other names: c.903G>A, p.Ala301= (NM_001301030.2).
Identifiers: ClinVar variation 3349998 (VCV003349998.1).

ClinVar aggregate classification (germline): Uncertain significance (0 of 4 stars; one submission).

Conditions:
GRIK5-related disorder. Also called: GRIK5-related condition.

gnomAD v4.1: 2 of 1,613,718 alleles (0.00012%); highest among the groups gnomAD compares: Non-Finnish European, 0.00017%; no homozygotes.

Submission:

PreventionGenetics, part of Exact Sciences
Classification: Uncertain significance for GRIK5-related condition. Last evaluated: 2024-05-04. Review status: no assertion criteria provided. Collection method: clinical testing. Allele origin: germline.
Comment: The GRIK5 c.903G>A variant is not predicted to result in an amino acid change (p.=). This variant is predicted to alter splicing based on available splicing prediction programs (SpliceAI, Jaganathan et al. 2019. PubMed ID: 30661751). However, such computer prediction programs are imperfect. To our knowledge, this variant has not been reported in the literature. This variant is reported in 0.0018% of alleles in individuals of European (Non-Finnish) descent in gnomAD. At this time, the clinical significance of this variant is uncertain due to the absence of conclusive functional and genetic evidence.